The following is an entry in ClinVar:

ClinVar aggregate classification (germline): Benign (1 of 4 stars; one submission).

Conditions:
Familial adenomatous polyposis 1 (FAP1). Also called: POLYPOSIS, ADENOMATOUS INTESTINAL; FAMILIAL ADENOMATOUS POLYPOSIS 1, ATTENUATED. Identifiers: MedGen C2713442, MONDO:0021056, OMIM 175100. Disease mechanism: loss of function.

Submission:

Myriad Genetics, Inc.
Classification: Benign for Familial adenomatous polyposis 1. Last evaluated: 2024-03-12. Review status: criteria provided, single submitter. Criteria: Myriad Autosomal Dominant, Autosomal Recessive and X-Linked Classification Criteria (2023). Collection method: clinical testing. Allele origin: unknown.
Comment: This variant is considered benign. This variant is a silent/synonymous amino acid change and it is not expected to impact splicing.

NM_000038.6(APC):c.2382T>C (p.Ser794=)

Gene: APC (APC regulator of Wnt signaling pathway; plus strand). Cytogenetic location: 5q22.2.
Variant type: single nucleotide variant.
Coding change: c.2382T>C on transcript NM_000038.6 (MANE Select); coding-DNA position 2382, T replaced by C.
Protein change: p.Ser794=; no amino-acid change (serine 794 retained).
Molecular consequence: synonymous variant. On other transcripts: non-coding transcript variant (2).
Genome position (GRCh38, 1-based): chr5:112,837,976, T>C. VCF-style: chr5-112837976-T-C. GRCh37 (hg19) VCF-style: chr5-112173673-T-C.
Other names: c.2382T>C, p.Ser794= (NM_001127510.3, NM_001354895.2, NM_001407450.1); c.2328T>C, p.Ser776= (NM_001127511.3); c.2436T>C, p.Ser812= (NM_001354896.2, NM_001407447.1, NM_001407448.1 and 1 more transcripts); c.2412T>C, p.Ser804= (NM_001354897.2); c.2307T>C, p.Ser769= (NM_001354898.2); c.2298T>C, p.Ser766= (NM_001354899.2); c.2259T>C, p.Ser753= (NM_001354900.2); c.2205T>C, p.Ser735= (NM_001354901.2, NM_001407453.1); and 11 more.
Identifiers: ClinVar variation 3148048 (VCV003148048.1), dbSNP rs2149867862, ClinGen allele CA445963428.